The following is an entry in ClinVar:

NM_001385012.1(NBEA):c.4451T>C (p.Leu1484Ser)

Gene: NBEA (neurobeachin; plus strand). Cytogenetic location: 13q13.3.
Variant type: single nucleotide variant.
Coding change: c.4451T>C on transcript NM_001385012.1 (MANE Select); coding-DNA position 4451, T replaced by C.
Protein change: p.Leu1484Ser; replaces leucine 1484 with serine.
Molecular consequence: missense variant.
Genome position (GRCh38, 1-based): chr13:35,173,491, T>C. VCF-style: chr13-35173491-T-C. GRCh37 (hg19) VCF-style: chr13-35747628-T-C.
Other names: c.4442T>C, p.Leu1481Ser (NM_001379245.1); c.4451T>C, p.Leu1484Ser (NM_015678.5); short protein forms L1481S, L1484S.
Identifiers: ClinVar variation 4074489 (VCV004074489.1).

ClinVar aggregate classification (germline): Uncertain significance (1 of 4 stars; one submission).

gnomAD v4.1: 2 of 1,610,146 alleles (0.00012%); highest among the groups gnomAD compares: Non-Finnish European, 0.00017%; no homozygotes.

Submission:

GeneDx
Classification: Uncertain significance. Last evaluated: 2025-01-31. Review status: criteria provided, single submitter. Criteria: GeneDx Variant Classification Process June 2021. Collection method: clinical testing. Allele origin: germline. Affected: yes.
Comment: Not observed at significant frequency in large population cohorts (gnomAD); In silico analysis supports that this missense variant has a deleterious effect on protein structure/function; Has not been previously published as pathogenic or benign to our knowledge